The following is an entry in ClinVar:

NM_012144.4(DNAI1):c.180G>A (p.Ala60=)

Gene: DNAI1 (dynein axonemal intermediate chain 1; plus strand). Cytogenetic location: 9p13.3.
Variant type: single nucleotide variant.
Coding change: c.180G>A on transcript NM_012144.4 (MANE Select); coding-DNA position 180, G replaced by A.
Protein change: p.Ala60=; no amino-acid change (alanine 60 retained).
Molecular consequence: synonymous variant.
Genome position (GRCh38, 1-based): chr9:34,485,240, G>A. VCF-style: chr9-34485240-G-A. GRCh37 (hg19) VCF-style: chr9-34485238-G-A.
Other names: c.180G>A (NM_012144.2); c.180G>A, p.Ala60= (NM_001281428.2).
Identifiers: ClinVar variation 260201 (VCV000260201.24), dbSNP rs201120508, ClinGen allele CA5033945.

ClinVar aggregate classification (germline): Conflicting classifications of pathogenicity. Review status: criteria provided, conflicting classifications (1 of 4 stars). 11 submissions from 10 submitters: Pathogenic (3); Likely pathogenic (7); Uncertain significance (1). Last evaluated 2026-06-05.

Conditions:
DNAI1-related disorder. Also called: DNAI1-related condition.
Primary ciliary dyskinesia. Also called: Ciliary dyskinesia. Identifiers: Orphanet 244, MedGen C0008780, MONDO:0016575, HP:0012265.
Kartagener syndrome (CILD1). Also called: CILIARY DYSKINESIA, PRIMARY, 1; SIEWERT SYNDROME; POLYNESIAN BRONCHIECTASIS; Dextrocardia bronchiectasis and sinusitis; CILIARY DYSKINESIA, PRIMARY, 1, WITH OR WITHOUT SITUS INVERSUS; IMMOTILE CILIA SYNDROME. Identifiers: Orphanet 244, MedGen C4551906, MONDO:0009484, OMIM 244400.

Allele frequency attached by ClinVar (database versions not stated): gnomAD 0.00017 and 0.00020; ESP Exome Variant Server 0.00008; TOPMed 0.00017; gnomAD exomes 0.00003 and 0.00008; ExAC 0.00005.
gnomAD v4.1: 140 of 1,614,042 alleles (0.0087%); highest among the groups gnomAD compares: African/African-American, 0.02%; no homozygotes.

Submissions (11):

Department of Human Genetics, Hannover Medical School
Classification: Likely pathogenic for Kartagener syndrome. Last evaluated: 2026-06-05. Review status: criteria provided, single submitter. Criteria: ACMG Guidelines, 2015. Collection method: clinical testing. Allele origin: germline. Affected: yes.
Comment: PM2 supporting, PM3 strong, PP3, PP4 moderate

Department of Human Genetics, Hannover Medical School
Classification: Uncertain significance for Primary Ciliary Dyskinesia. Last evaluated: 2026-04-01. Review status: criteria provided, single submitter. Criteria: ACMG Guidelines, 2015. Collection method: research. Allele origin: germline. Affected: yes.
Comment: Classification performed by HerediClassify using the following criteria:['PM2_supporting: Variant occures does not occur as homozygous in gnomAD.', 'PP3_splicing_supporting: Variant is predicted to have a splice effect by SpliceAI with evidence strength supporting.', "PP4_moderate: The modified PICADAR socre of 4.0 exceeds threshold of 3 achieving 'moderate' evidence strength."]

Labcorp Genetics (formerly Invitae), Labcorp
Classification: Pathogenic for Primary ciliary dyskinesia. Last evaluated: 2026-01-19. Review status: criteria provided, single submitter. Criteria: Invitae Variant Classification Sherloc (09022015). Collection method: clinical testing. Allele origin: germline.
Comment: This sequence change affects codon 60 of the DNAI1 mRNA. It is a 'silent' change, meaning that it does not change the encoded amino acid sequence of the DNAI1 protein. This variant also falls at the last nucleotide of exon 3, which is part of the consensus splice site for this exon. This variant is present in population databases (rs201120508, gnomAD 0.02%). This variant has been observed in individual(s) with clinical features of primary ciliary dyskinesia (PMID: 31772028; internal data). ClinVar contains an entry for this variant (Variation ID: 260201). Variants that disrupt the consensus splice site are a relatively common cause of aberrant splicing (PMID: 17576681, 9536098). Algorithms developed to predict the effect of sequence changes on RNA splicing suggest that this variant may disrupt the consensus splice site. For these reasons, this variant has been classified as Pathogenic.

3billion
Classification: Likely pathogenic for Kartagener syndrome. Last evaluated: 2025-09-18. Review status: criteria provided, single submitter. Criteria: ACMG Guidelines, 2015. Collection method: clinical testing. Allele origin: germline. Affected: yes.
Comment: The variant is observed at an extremely low frequency in the gnomAD v4.1.0 dataset (total allele frequency: 0.009%). Predicted Consequence/Location: Synonymous variant In silico tools predict the variant to alter splicing and produce an abnormal transcript [SpliceAI: 0.56 (>=0.2, moderate evidence for spliceogenicity)]. The variant has been reported to be in trans with a pathogenic variant as either compound heterozygous or homozygous in at least one similarly affected unrelated individual (PMID: 37860582). The variant has been reported at least twice as pathogenic without evidence for the classification (ClinVar ID: VCV000260201 /PMID: 31772028). Therefore, this variant is classified as Likely pathogenic according to the recommendation of ACMG/AMP guideline.

Natera, Inc.
Classification: Pathogenic for Primary ciliary dyskinesia. Last evaluated: 2025-09-08. Review status: criteria provided, single submitter. Criteria: Natera Variant Classification Schema (03/2026). Collection method: clinical testing. Allele origin: germline.
Comment: The c.180G>A variant in DNAI1 is a synonymous variant that does not alter the encoded amino acid at position 60 (p.A60=). This variant is rare in the general population with a frequency below the threshold expected for the associated phenotype(s). This variant has been observed in one or more individuals affected with the associated recessive disease, as either homozygous or compound heterozygous with a second variant (PMID: 37860582, 33760720, 32502479, 31772028). Computational prediction algorithms indicate this variant is likely to affect gene or protein function. Given the available evidence, this variant is classified as Pathogenic.

Ambry Genetics
Classification: Pathogenic for Primary ciliary dyskinesia. Last evaluated: 2025-09-04. Review status: criteria provided, single submitter. Criteria: Ambry Variant Classification Scheme 2023. Collection method: clinical testing. Allele origin: germline.
Comment: The c.180G>A variant (also known as p.A60A), located in coding exon 3 of the DNAI1 gene, results from a G to A substitution at nucleotide position 180. This nucleotide substitution does not change the amino acid at codon 60. This variant has been identified in the homozygous state and/or in conjunction with other DNAI1 variant(s) in individual(s) with features consistent with primary ciliary dyskinesia (Blanchon S et al. J Med Genet, 2020 Apr;57:237-244; Catana A, et al. Arch Clin Biomed Res. 2022;6:740&ndash;743.; Schramm A et al. Front Mol Biosci, 2023 Oct;10:1258374; Ambry internal data). This nucleotide position is not well conserved in available vertebrate species. In silico splice site analysis predicts that this alteration may weaken the native splice donor site and will result in the creation or strengthening of a novel splice donor site. Based on the supporting evidence, this variant is interpreted as a disease-causing mutation.

ARUP Laboratories, Molecular Genetics and Genomics, ARUP Laboratories
Classification: Likely pathogenic for Kartagener syndrome. Last evaluated: 2025-01-27. Review status: criteria provided, single submitter. Criteria: ARUP Molecular Germline Variant Investigation Process 2024. Collection method: clinical testing. Allele origin: germline.
Comment: The DNAI1 c.180G>A; p.Ala60= variant (rs201120508), is reported in multiple unrelated individuals with primary ciliary dyskinesia who carried a second DNAI1 variant on the opposite chromosome (Blanchon 2020, Catana 2022, Schramm 2023). This variant is only observed on thirteen alleles in the Genome Aggregation Database (v2.1.1), indicating it is not a common polymorphism. This is a synonymous variant in a weakly conserved nucleotide, but computational analyses (Alamut v.2.11) predict that this variant may impact splicing by weakening the nearby canonical donor splice site. Based on available information, this variant is considered to be likely pathogenic. References: Blanchon S, et al. Deep phenotyping, including quantitative ciliary beating parameters, and extensive genotyping in primary ciliary dyskinesia. J Med Genet. 2020 Apr;57(4):237-244. PMID: 31772028. Catana A, et al. Kartagener Syndrome Associated with a Family History of Dextrocardia â€“ First Patient to be reported in Romania. Archives of Clinical and Biomedical Research 6 (2022): 740-743. Schramm A, et al. Molecular defects in primary ciliary dyskinesia are associated with agenesis of the frontal and sphenoid paranasal sinuses and chronic rhinosinusitis. Front Mol Biosci. 2023 Oct 3;10:1258374. PMID: 37860582.

PreventionGenetics, part of Exact Sciences
Classification: Likely pathogenic for DNAI1-related condition. Last evaluated: 2024-07-03. Review status: criteria provided, single submitter. Criteria: ACMG Guidelines, 2015. Collection method: clinical testing. Allele origin: germline.
Comment: The DNAI1 c.180G>A variant occurs at the final base of exon 3 and is predicted to interfere with normal splicing (Splice AI, Jaganathan K et al. 2019. PubMed ID:30661751). It has been reported with a second DNAI1 pathogenic variant in several individuals with primary ciliary dyskinesia (Blanchon et al. 2020. PubMed ID: 31772028; Cătană et al. 2022.doi: 10.26502/acbr.50170285; Schramm et al. 2023. PubMed ID: 37860582). This variant is reported in 0.012% of alleles in individuals of African descent in gnomAD. This variant is interpreted as likely pathogenic.

Fulgent Genetics
Classification: Likely pathogenic for Kartagener syndrome. Last evaluated: 2024-04-09. Review status: criteria provided, single submitter. Criteria: ACMG Guidelines, 2015. Collection method: clinical testing. Allele origin: germline.

GeneDx
Classification: Likely pathogenic. Last evaluated: 2023-07-19. Review status: criteria provided, single submitter. Criteria: GeneDx Variant Classification Process June 2021. Collection method: clinical testing. Allele origin: germline. Affected: yes.
Comment: Reported with a second DNAI1 variant, phase unknown, in a patient with an outer dynein arm defect (Blanchon et al., 2020); In silico analysis supports a deleterious effect on splicing; This variant is associated with the following publications: (PMID: Catana_2022_CaseReport, 31772028)

Kariminejad - Najmabadi Pathology & Genetics Center
Classification: Likely pathogenic for Kartagener syndrome. Review status: criteria provided, single submitter. Criteria: ACMG Guidelines, 2015. Collection method: clinical testing. Allele origin: germline. Affected: no.

Literature cited by the submitters: PubMed 31772028 (cited by 5 submitters); PubMed 17576681 (cited by Labcorp Genetics (formerly Invitae), Labcorp); PubMed 9536098 (cited by Labcorp Genetics (formerly Invitae), Labcorp); PubMed 37860582 (cited by 4 submitters); PubMed 33760720 (cited by Natera, Inc.); PubMed 32502479 (cited by Natera, Inc.); DOI 10.26502/acbr.50170285 (cited by PreventionGenetics, part of Exact Sciences).